The following is an entry in ClinVar:

NM_020223.4(FAM20C):c.1343C>T (p.Thr448Met)

Gene: FAM20C (FAM20C golgi associated secretory pathway kinase; plus strand). Cytogenetic location: 7p22.3.
Variant type: single nucleotide variant.
Coding change: c.1343C>T on transcript NM_020223.4 (MANE Select); coding-DNA position 1343, C replaced by T.
Protein change: p.Thr448Met; replaces threonine 448 with methionine.
Molecular consequence: missense variant.
Genome position (GRCh38, 1-based): chr7:256,743, C>T. VCF-style: chr7-256743-C-T. GRCh37 (hg19) VCF-style: chr7-296709-C-T.
Other names: short protein forms T448M.
Identifiers: ClinVar variation 2177227 (VCV002177227.1), dbSNP rs865798747, ClinGen allele CA152283526.
Genomic context (GRCh38, chr7:256,743, plus strand): 5'-AGGTGAAGCAGACACCGCCCTACGACAGCAGCCACCGCATCCTGGACGTCATGGACATGA[C>T]GATCTTCGACTTCCTCATGGGTACGTCCCGCAGGGGCACGGGGTCCCCGTGTCACTCGCC-3'
Protein context (NP_064608.2, residues 438-458): SHRILDVMDM[Thr448Met]IFDFLMGNMD

ClinVar aggregate classification (germline): Uncertain significance (1 of 4 stars; one submission).

Allele frequency attached by ClinVar (database versions not stated): gnomAD 0.00001; TOPMed 0.00002.
gnomAD v4.1: 33 of 1,536,026 alleles (0.0021%); highest among the groups gnomAD compares: South Asian, 0.012%; no homozygotes.

Submission:

Labcorp Genetics (formerly Invitae), Labcorp
Classification: Uncertain significance. Last evaluated: 2022-05-05. Review status: criteria provided, single submitter. Criteria: Invitae Variant Classification Sherloc (09022015). Collection method: clinical testing. Allele origin: germline.
Comment: This sequence change replaces threonine, which is neutral and polar, with methionine, which is neutral and non-polar, at codon 448 of the FAM20C protein (p.Thr448Met). This variant is present in population databases (no rsID available, gnomAD 0.01%). This variant has not been reported in the literature in individuals affected with FAM20C-related conditions. Algorithms developed to predict the effect of missense changes on protein structure and function are either unavailable or do not agree on the potential impact of this missense change (SIFT: "Deleterious"; PolyPhen-2: "Possibly Damaging"; Align-GVGD: "Class C0"). In summary, the available evidence is currently insufficient to determine the role of this variant in disease. Therefore, it has been classified as a Variant of Uncertain Significance.